The following is an entry in ClinVar:

NM_144670.6(A2ML1):c.1545del (p.Ala516fs)

Gene: A2ML1 (alpha-2-macroglobulin like 1; plus strand). Cytogenetic location: 12p13.31.
Variant type: Deletion.
Coding change: c.1545del on transcript NM_144670.6 (MANE Select); coding-DNA position 1545, one base deleted (A; older notation c.1545delA).
Protein change: p.Ala516fs; shifts the reading frame from alanine 516.
Molecular consequence: frameshift variant.
Genome position (GRCh38, 1-based): chr12:8,846,084, A deleted; the last of 3 consecutive A bases (chr12:8,846,082-8,846,084); deleting any one gives the same sequence. VCF-style (leftmost placement, unchanged base first): chr12-8846081-GA-G. GRCh37 (hg19) VCF-style: chr12-8998677-GA-G.
Other names: c.72del, p.Ala25fs (NM_001282424.3); short protein forms A25fs, A516fs.
Identifiers: ClinVar variation 3031503 (VCV003031503.2), dbSNP rs1331305699, ClinGen allele CA603216501.

ClinVar aggregate classification (germline): Uncertain significance (0 of 4 stars; one submission).

Conditions:
A2ML1-related disorder. Also called: A2ML1-related condition.

Submission:

PreventionGenetics, part of Exact Sciences
Classification: Uncertain significance for A2ML1-related condition. Last evaluated: 2024-02-23. Review status: no assertion criteria provided. Collection method: clinical testing. Allele origin: germline.
Comment: The A2ML1 c.1545delA variant is predicted to result in a frameshift and premature protein termination (p.Lys515Lysfs*7). To our knowledge, this variant has not been reported in the literature. This variant is reported in 0.0035% of alleles in individuals of European (Non-Finnish) descent in gnomAD. Although we suspect that this variant may be pathogenic, at this time, the clinical significance of this variant is uncertain due to the absence of conclusive functional and genetic evidence.